The following is an entry in ClinVar:

ClinVar aggregate classification (germline): Uncertain significance (1 of 4 stars; one submission).

Conditions:
Pendred syndrome (PDS). Also called: Pendred Syndrome (PDS); DEAFNESS WITH GOITER; THYROID DYSHORMONOGENESIS 2B; THYROID HORMONOGENESIS, GENETIC DEFECT IN, 2B; HYPOTHYROIDISM, CONGENITAL, DUE TO DYSHORMONOGENESIS, 2B; GOITER-DEAFNESS SYNDROME. Identifiers: Orphanet 705, MedGen C0271829, MONDO:0010134, OMIM 274600.

Submission:

Myriad Genetics, Inc.
Classification: Uncertain significance for Pendred syndrome. Last evaluated: 2026-06-02. Review status: criteria provided, single submitter. Criteria: Myriad Autosomal Dominant, Autosomal Recessive and X-Linked Classification Criteria (2023). Collection method: clinical testing. Allele origin: unknown.
Comment: NM_000441.1(SLC26A4):c.1634T>A(V545E) is a missense variant classified as a variant of uncertain significance in the context of Pendred syndrome. V545E has been observed in cases with relevant disease (PMID: 25372295, 18167283). Relevant functional assessments of this variant are not available in the literature. V545E has not been observed in referenced population frequency databases. In summary, there is insufficient evidence to classify NM_000441.1(SLC26A4):c.1634T>A(V545E) as pathogenic or benign. Please note: this variant was assessed in the context of healthy population screening.

Literature cited by the submitters: PubMed 18167283; PubMed 25372295.

NM_000441.2(SLC26A4):c.1634T>A (p.Val545Glu)

Gene: SLC26A4 (solute carrier family 26 member 4; plus strand). Cytogenetic location: 7q22.3.
Variant type: single nucleotide variant.
Coding change: c.1634T>A on transcript NM_000441.2 (MANE Select); coding-DNA position 1634, T replaced by A.
Protein change: p.Val545Glu; replaces valine 545 with glutamic acid.
Molecular consequence: missense variant.
Genome position (GRCh38, 1-based): chr7:107,700,102, T>A. VCF-style: chr7-107700102-T-A. GRCh37 (hg19) VCF-style: chr7-107340547-T-A.
Other names: short protein forms V545E.
Identifiers: ClinVar variation 5004941 (VCV005004941.1).
Genomic context (GRCh38, chr7:107,700,102, plus strand): 5'-CTTGAAATTATTTAATCCCAGACAATTTCTTTTAATGCCAGATTGAAGAACCTCAAGGAG[T>A]GAAGATTCTTAGATTTTCCAGTCCTATTTTCTATGGCAATGTCGATGGTTTTAAAAAATG-3'
Protein context (NP_000432.1, residues 535-555): NYKNIEEPQG[Val545Glu]KILRFSSPIF